The following is an entry in ClinVar:

ClinVar aggregate classification (germline): Uncertain significance (1 of 4 stars; one submission).

Conditions:
Hereditary cancer-predisposing syndrome. Also called: Hereditary neoplastic syndrome; Neoplastic Syndromes, Hereditary; Tumor predisposition; Hereditary Cancer Syndrome. Identifiers: Orphanet 140162, MedGen C0027672, MeSH D009386, MONDO:0015356.

Submission:

Ambry Genetics
Classification: Uncertain significance for Hereditary cancer-predisposing syndrome. Last evaluated: 2025-07-22. Review status: criteria provided, single submitter. Criteria: Ambry Variant Classification Scheme 2023. Collection method: clinical testing. Allele origin: germline.
Comment: The p.R1292K variant (also known as c.3875G>A), located in coding exon 31 of the POLE gene, results from a G to A substitution at nucleotide position 3875. The arginine at codon 1292 is replaced by lysine, an amino acid with highly similar properties. This amino acid position is conserved. In addition, this alteration is predicted to be tolerated by in silico analysis. Based on the available evidence, the clinical significance of this variant remains unclear.

NM_006231.4(POLE):c.3875G>A (p.Arg1292Lys)

Gene: POLE (DNA polymerase epsilon, catalytic subunit; minus strand). Cytogenetic location: 12q24.33.
Variant type: single nucleotide variant.
Coding change: c.3875G>A on transcript NM_006231.4 (MANE Select); coding-DNA position 3875, G replaced by A.
Protein change: p.Arg1292Lys; replaces arginine 1292 with lysine.
Molecular consequence: missense variant.
Genome position (GRCh38, 1-based): chr12:132,649,436, C>T on the plus strand (G>A on the coding strand, the complement: POLE is on the minus strand). VCF-style: chr12-132649436-C-T. GRCh37 (hg19) VCF-style: chr12-133226022-C-T.
Other names: short protein forms R1292K.
Identifiers: ClinVar variation 4141175 (VCV004141175.1).
Genomic context (GRCh38, chr12:132,649,436, plus strand): 5'-GCAGGACCATCCCGGATGGCCCCGGGCCTGAGCACACCCTCTGCCGACTCCAGACGCTGC[C>T]TCTTCCTGCGGGCGAGGCGCTGCCGGGCCTGCAGCTGCCACTTCTTCTTGTGGAACCGGA-3'
Protein context (NP_006222.2, residues 1282-1302): QARQRLARRK[Arg1292Lys]QRLESAEGVL